The following is an entry in ClinVar:

NM_000492.4(CFTR):c.4442A>G (p.Ter1481Trp)

Genes: CFTR (CF transmembrane conductance regulator; plus strand), LOC111674477 (CFTR intron 23 enhancer; plus strand). Cytogenetic location: 7q31.2.
Variant type: single nucleotide variant.
Coding change: c.4442A>G on transcript NM_000492.4 (MANE Select); coding-DNA position 4442, A replaced by G.
Protein change: p.Ter1481Trp.
Molecular consequence: stop lost.
Genome position (GRCh38, 1-based): chr7:117,667,107, A>G. VCF-style: chr7-117667107-A-G. GRCh37 (hg19) VCF-style: chr7-117307161-A-G.
Identifiers: ClinVar variation 4536933 (VCV004536933.1).

ClinVar aggregate classification (germline): Uncertain significance (1 of 4 stars; one submission).

Submission:

Women's Health and Genetics/Laboratory Corporation of America, LabCorp
Classification: Uncertain significance. Last evaluated: 2025-11-10. Review status: criteria provided, single submitter. Criteria: LabCorp Variant Classification Summary - May 2015. Collection method: clinical testing. Allele origin: germline.
Comment: Variant summary: CFTR c.4442A>G (p.X1481TrpextX4) changes the termination codon and is predicted to lead to an extended protein with additional amino acids added to the normal C-terminus. CFTR c.4442A>G (p.X1481TrpextX4) causes a frameshift which results in an extension of the protein. The variant was absent in 250560 control chromosomes. The available data on variant occurrences in the general population are insufficient to allow any conclusion about variant significance. c.4442A>G has been observed in and individual affected with Cystic Fibrosis (Bienvenu_2003). These data do not allow any conclusion about variant significance. To our knowledge, no experimental evidence demonstrating an impact on protein function has been reported. The following publication has been ascertained in the context of this evaluation (PMID: 12919146). No submitters have cited clinical-significance assessments for this variant to ClinVar. Based on the evidence outlined above, the variant was classified as uncertain significance.

Literature cited by the submitters: PubMed 12919146.